The following is an entry in ClinVar:

ClinVar aggregate classification (germline): Pathogenic. Review status: criteria provided, single submitter (1 of 4 stars). 2 submissions from 2 submitters: Pathogenic (1). 1 of the submissions does not count toward it.

Conditions:
Seizures, benign familial neonatal, 1. Also called: KCNQ2-Related Benign Familial Neonatal Epilepsy; Benign Neonatal Epilepsy 1; KCNQ2-Related Self-Limited Familial Neonatal Epilepsy (SLFNE); Seizures, benign neonatal, 1. Identifiers: Orphanet 1949, MedGen C3149074, MONDO:0007365, OMIM 121200.

Submissions (2):

Clinical Genetics Service, Universitary Hospital 12 de Octubre
Classification: Pathogenic for Seizures, benign familial neonatal, 1. Review status: criteria provided, single submitter. Criteria: ACMG Guidelines, 2015. Collection method: clinical testing. Allele origin: maternal. Affected: yes.

GeneReviews
No classification provided. Condition: Seizures, benign familial neonatal, 1. Review status: no classification provided. Collection method: literature only. Allele origin: germline. Affected: yes. Not counted in ClinVar's aggregate classification.
Comment: BFNE (benign familial neonatal epilepsy).

Functional effect: Lack of functional homomeric channels; marked reduction in current amplitude in heteromeric channels

Literature cited by the submitters: PubMed 14534157 (cited by GeneReviews); NCBI Bookshelf NBK32534 (cited by GeneReviews).

NM_172107.4(KCNQ2):c.967C>T (p.Gln323Ter)

Gene: KCNQ2 (potassium voltage-gated channel subfamily Q member 2; minus strand). Cytogenetic location: 20q13.33.
Variant type: single nucleotide variant.
Coding change: c.967C>T on transcript NM_172107.4 (MANE Select); coding-DNA position 967, C replaced by T.
Protein change: p.Gln323Ter; replaces glutamine 323 with a stop codon.
Molecular consequence: nonsense.
Genome position (GRCh38, 1-based): chr20:63,438,681, G>A on the plus strand (C>T on the coding strand, the complement: KCNQ2 is on the minus strand). VCF-style: chr20-63438681-G-A. GRCh37 (hg19) VCF-style: chr20-62070034-G-A.
Other names: c.967C>T (NM_172107.3); c.967C>T, p.Gln323Ter (NM_004518.6, NM_172106.3, NM_172108.5 and 1 more transcripts); short protein forms Q323*.
Identifiers: ClinVar variation 21808 (VCV000021808.3), dbSNP rs118192214, ClinGen allele CA342540.